The following is an entry in ClinVar:

ClinVar aggregate classification (germline): Conflicting classifications of pathogenicity. Review status: criteria provided, conflicting classifications (1 of 4 stars). 4 submissions from 4 submitters: Pathogenic (1); Uncertain significance (3). Last evaluated 2025-06-24.

Conditions:
Hypokalemic periodic paralysis, type 1. Also called: Hypokalemic Periodic Paralysis Type 1 (AD); HypoPP. Identifiers: Orphanet 681, MedGen C3714580, MONDO:0042979, OMIM 170400.
Malignant hyperthermia, susceptibility to, 5 (MHS5). Also called: CACNA1S-Related Malignant Hyperthermia Susceptibility. Identifiers: Orphanet 423, MedGen C1866077, MONDO:0011163, OMIM 601887.

Submissions (4):

Color Diagnostics, LLC DBA Color Health
Classification: Uncertain significance for Malignant hyperthermia, susceptibility to, 5. Last evaluated: 2025-06-24. Review status: criteria provided, single submitter. Criteria: ACMG Guidelines, 2015. Collection method: clinical testing. Allele origin: germline.
Comment: This variant inserts 1 nucleotide in exon 40 of the CACNA1S gene, creating a frameshift and premature translation stop signal. This variant is expected to result in an absent or non-functional protein product. To our knowledge, this variant has not been reported in individuals affected with CACNA1S-related disorders in the literature. This variant has not been identified in the general population by the Genome Aggregation Database (gnomAD). Loss of CACNA1S function due to truncation variants is not an established disease mechanism for autosomal dominant malignant hyperthermia, although it is associated with other phenotype(s) (ClinVar). Due to insufficient evidence, this variant is classified as a Variant of Uncertain Significance for autosomal dominant malignant hyperthermia.

All of Us Research Program, National Institutes of Health
Classification: Uncertain significance for Malignant hyperthermia, susceptibility to, 5. Last evaluated: 2023-02-24. Review status: criteria provided, single submitter. Criteria: ACMG Guidelines, 2015. Collection method: clinical testing. Allele origin: germline. Inheritance: Autosomal dominant inheritance. Observed: 1 variant allele, 1 heterozygote.
Comment: This pathogenicity assessment is for autosomal dominant malignant hyperthermia susceptibility phenotype. This frameshift variant is predicted to result in an absent or nonfunctional CACNA1S protein product. Loss of CACNA1S gene function due to truncation and splice variants is thought to cause congenital myopathy and hypokalemic periodic paralysis (PMID: 28012042, 34608571, 34777470). However, the role of such loss-of-function variants in autosomal dominant malignant hyperthermia susceptibility is not clearly understood. Therefore, this variant is classified as a Variant of Uncertain Significance.

This study involves interpretation of variants in research participants for the purpose of population health screening. Participant phenotype was not available at the time of variant classification. Additional details can be found in publication PMID: 35346344, PMCID: PMC8962531

Revvity Omics, Revvity
Classification: Uncertain significance. Last evaluated: 2021-10-29. Review status: criteria provided, single submitter. Criteria: ACMG Guidelines, 2015. Collection method: clinical testing. Allele origin: germline.

Labcorp Genetics (formerly Invitae), Labcorp
Classification: Pathogenic for Hypokalemic periodic paralysis, type 1; Malignant hyperthermia, susceptibility to, 5. Last evaluated: 2021-05-19. Review status: criteria provided, single submitter. Criteria: Invitae Variant Classification Sherloc (09022015). Collection method: clinical testing. Allele origin: germline.
Comment: This variant is present in population databases (rs775883314, ExAC 0.01%). For these reasons, this variant has been classified as Pathogenic. This variant has not been reported in the literature in individuals with CACNA1S-related conditions. This sequence change creates a premature translational stop signal (p.Val1621Argfs*12) in the CACNA1S gene. It is expected to result in an absent or disrupted protein product. Loss-of-function variants in CACNA1S are known to be pathogenic (PMID: 26247046, 28012042).

Literature cited by the submitters: PubMed 28012042 (cited by All of Us Research Program, National Institutes of Health and Labcorp Genetics (formerly Invitae), Labcorp); PubMed 34608571 (cited by All of Us Research Program, National Institutes of Health); PubMed 34777470 (cited by All of Us Research Program, National Institutes of Health); PubMed 26247046 (cited by Labcorp Genetics (formerly Invitae), Labcorp).

NM_000069.3(CACNA1S):c.4860dup (p.Val1621fs)

Gene: CACNA1S (calcium voltage-gated channel subunit alpha1 S; minus strand). Cytogenetic location: 1q32.1.
Variant type: Duplication.
Coding change: c.4860dup on transcript NM_000069.3 (MANE Select); coding-DNA position 4860, one base duplicated (C; older notation c.4860dupC).
Protein change: p.Val1621fs; shifts the reading frame from valine 1621.
Molecular consequence: frameshift variant.
Genome position (GRCh38, 1-based): chr1:201,043,469, G duplicated on the plus strand (C on the coding strand, the reverse complement: CACNA1S is on the minus strand); the first of 6 consecutive G bases (chr1:201,043,469-201,043,474); duplicating any one gives the same sequence. VCF-style (leftmost placement, unchanged base first): chr1-201043468-C-CG. GRCh37 (hg19) VCF-style: chr1-201012596-C-CG.
Other names: short protein forms V1621fs.
Identifiers: ClinVar variation 1408026 (VCV001408026.10), dbSNP rs761214441, ClinGen allele CA1321790.